The following is an entry in ClinVar:

NM_006118.4(HAX1):c.467C>A (p.Pro156Gln)

Gene: HAX1 (HCLS1 associated protein X-1; plus strand). Cytogenetic location: 1q21.3.
Variant type: single nucleotide variant.
Coding change: c.467C>A on transcript NM_006118.4 (MANE Select); coding-DNA position 467, C replaced by A.
Protein change: p.Pro156Gln; replaces proline 156 with glutamine.
Molecular consequence: missense variant.
Genome position (GRCh38, 1-based): chr1:154,273,924, C>A. VCF-style: chr1-154273924-C-A. GRCh37 (hg19) VCF-style: chr1-154246400-C-A.
Other names: c.323C>A, p.Pro108Gln (NM_001018837.2); short protein forms P156Q, P108Q.
Identifiers: ClinVar variation 4269052 (VCV004269052.1).
Genomic context (GRCh38, chr1:154,273,924, plus strand): 5'-ACCAGCCCAGGATCTTTGGGGGGGTCTTGGAGAGTGATGCAAGAAGTGAATCCCCCCAAC[C>A]AGCACCAGACTGGGGCTCCCAGAGGCCATTTCATAGGGTGAGTATCCCATCTGGTCCTGA-3'
Protein context (NP_006109.2, residues 146-166): ESDARSESPQ[Pro156Gln]APDWGSQRPF

ClinVar aggregate classification (germline): Uncertain significance (1 of 4 stars; one submission).

Conditions:
Inborn genetic diseases. Identifiers: MedGen C0950123, MeSH D030342.

gnomAD v4.1: 2 of 1,614,128 alleles (0.00012%); highest among the groups gnomAD compares: Non-Finnish European, 0.00017%; no homozygotes.

Submission:

Ambry Genetics
Classification: Uncertain significance for Inborn genetic diseases. Last evaluated: 2025-08-23. Review status: criteria provided, single submitter. Criteria: Ambry Variant Classification Scheme 2023. Collection method: clinical testing. Allele origin: germline.
Comment: The p.P156Q variant (also known as c.467C>A), located in coding exon 3 of the HAX1 gene, results from a C to A substitution at nucleotide position 467. The proline at codon 156 is replaced by glutamine, an amino acid with similar properties. This amino acid position is conserved. In addition, this alteration is predicted to be tolerated by in silico analysis. Based on the available evidence, the clinical significance of this variant remains unclear.